The following is an entry in ClinVar:

NM_017565.4(FAM20A):c.1314C>T (p.His438=)

Genes: FAM20A (FAM20A golgi associated secretory pathway pseudokinase; minus strand), PRKAR1A (protein kinase cAMP-dependent type I regulatory subunit alpha; plus strand). Cytogenetic location: 17q24.2.
Variant type: single nucleotide variant.
Coding change: c.1314C>T on transcript NM_017565.4 (MANE Select); coding-DNA position 1314, C replaced by T.
Protein change: p.His438=; no amino-acid change (histidine 438 retained).
Molecular consequence: synonymous variant. On other transcripts: non-coding transcript variant (1), intron variant (1).
Genome position (GRCh38, 1-based): chr17:68,539,384, G>A on the plus strand (C>T on the coding strand, the complement: FAM20A is on the minus strand). VCF-style: chr17-68539384-G-A. GRCh37 (hg19) VCF-style: chr17-66535525-G-A.
Other names: c.900C>T, p.His300= (NM_001243746.2); c.973+9383G>A (NM_001276290.1).
Identifiers: ClinVar variation 737692 (VCV000737692.27), dbSNP rs78050433, ClinGen allele CA8729689.

ClinVar aggregate classification (germline): Benign/Likely benign. Review status: criteria provided, multiple submitters, no conflicts (2 of 4 stars). 5 submissions from 5 submitters: Benign (1); Likely benign (3). 1 of the submissions does not count toward it. Last evaluated 2026-02-01.

Conditions:
FAM20A-related disorder. Also called: FAM20A-related condition.
Amelogenesis imperfecta type 1G (AI1G). Also called: Amelogenesis imperfecta-gingival hyperplasia syndrome; AMELOGENESIS IMPERFECTA, TYPE IG; AMELOGENESIS IMPERFECTA, HYPOPLASTIC, AND NEPHROCALCINOSIS; ENAMEL-RENAL-GINGIVAL SYNDROME; AMELOGENESIS IMPERFECTA, HYPOPLASTIC, WITH NEPHROCALCINOSIS; Amelogenesis imperfecta nephrocalcinosis. Identifiers: Orphanet 1031, Orphanet 171836, MedGen C2931783, MONDO:0008771, OMIM 204690. Disease mechanism: loss of function.

Allele frequency attached by ClinVar (database versions not stated): TOPMed 0.00050; ExAC 0.00054; 1000 Genomes Project 30x 0.00031; gnomAD 0.00053 and 0.00051; ESP Exome Variant Server 0.00069; gnomAD exomes 0.00134 and 0.00052; 1000 Genomes Project 0.00020.
gnomAD v4.1: 2,003 of 1,614,182 alleles (0.12%); highest among the groups gnomAD compares: Non-Finnish European, 0.16%; 2 homozygotes.

Submissions (5):

CeGaT Center for Human Genetics Tuebingen
Classification: Likely benign. Last evaluated: 2026-02-01. Review status: criteria provided, single submitter. Criteria: CeGaT Center For Human Genetics Tuebingen Variant Classification Criteria Version 2. Collection method: clinical testing. Allele origin: germline. Affected: yes. Observed: 2 variant alleles.
Comment: FAM20A: BP4, BP7

Blueprint Genetics
Classification: Likely benign. Last evaluated: 2024-10-29. Review status: criteria provided, single submitter. Criteria: ACMG Guidelines, 2015. Collection method: clinical testing. Allele origin: germline.

Labcorp Genetics (formerly Invitae), Labcorp
Classification: Benign. Last evaluated: 2024-07-03. Review status: criteria provided, single submitter. Criteria: Invitae Variant Classification Sherloc (09022015). Collection method: clinical testing. Allele origin: germline.

Fulgent Genetics
Classification: Likely benign for Amelogenesis imperfecta type 1G. Last evaluated: 2021-07-20. Review status: criteria provided, single submitter. Criteria: ACMG Guidelines, 2015. Collection method: clinical testing. Allele origin: unknown.

PreventionGenetics, part of Exact Sciences
Classification: Likely benign for FAM20A-related condition. Last evaluated: 2024-05-22. Review status: no assertion criteria provided. Collection method: clinical testing. Allele origin: germline. Not counted in ClinVar's aggregate classification.
Comment: This variant is classified as likely benign based on ACMG/AMP sequence variant interpretation guidelines (Richards et al. 2015 PMID: 25741868, with internal and published modifications).